The following is an entry in ClinVar:

ClinVar aggregate classification (germline): Uncertain significance (1 of 4 stars; one submission).

Conditions:
Hypertrophic cardiomyopathy. Also called: HYPERTROPHIC MYOCARDIOPATHY. Identifiers: Orphanet 217569, MedGen C0007194, MeSH D002312, MONDO:0005045, HP:0001639.

gnomAD v4.1: 1 of 1,613,040 alleles (0.000062%); no homozygotes.

Submission:

Labcorp Genetics (formerly Invitae), Labcorp
Classification: Uncertain significance for Hypertrophic cardiomyopathy. Last evaluated: 2025-12-08. Review status: criteria provided, single submitter. Criteria: Invitae Variant Classification Sherloc (09022015). Collection method: clinical testing. Allele origin: germline.
Comment: This sequence change replaces cysteine, which is neutral and slightly polar, with serine, which is neutral and polar, at codon 475 of the MYBPC3 protein (p.Cys475Ser). This variant is not present in population databases (gnomAD no frequency). This missense change has been observed in individual(s) with sudden unexpected death syndrome (PMID: 28704380). An algorithm developed to predict the effect of missense changes on protein structure and function (PolyPhen-2) suggests that this variant is likely to be disruptive. In summary, the available evidence is currently insufficient to determine the role of this variant in disease. Therefore, it has been classified as a Variant of Uncertain Significance.

Literature cited by the submitters: PubMed 28704380.

NM_000256.3(MYBPC3):c.1423T>A (p.Cys475Ser)

Gene: MYBPC3 (myosin binding protein C3; minus strand). Cytogenetic location: 11p11.2.
Variant type: single nucleotide variant.
Coding change: c.1423T>A on transcript NM_000256.3 (MANE Select); coding-DNA position 1423, T replaced by A.
Protein change: p.Cys475Ser; replaces cysteine 475 with serine.
Molecular consequence: missense variant.
Genome position (GRCh38, 1-based): chr11:47,342,864, A>T on the plus strand (T>A on the coding strand, the complement: MYBPC3 is on the minus strand). VCF-style: chr11-47342864-A-T. GRCh37 (hg19) VCF-style: chr11-47364415-A-T.
Other names: short protein forms C475S.
Identifiers: ClinVar variation 4709828 (VCV004709828.1).
Genomic context (GRCh38, chr11:47,342,864, plus strand): 5'-CCATGCCCCGTGCTTCTGGAACTCACCATTTGACTTGCGCCCCCTCCTCCGATACTTCAC[A>T]CTCAAACTCCACCCGCTGCCCCACCATCACCAGCTGGTCCTCCAAGGGGCGCGTGATGAG-3'
Protein context (NP_000247.2, residues 465-485): VMVGQRVEFE[Cys475Ser]EVSEEGAQVK